The following is an entry in ClinVar:

NM_002296.4(LBR):c.1150A>C (p.Lys384Gln)

Gene: LBR (lamin B receptor; minus strand). Cytogenetic location: 1q42.12.
Variant type: single nucleotide variant.
Coding change: c.1150A>C on transcript NM_002296.4 (MANE Select); coding-DNA position 1150, A replaced by C.
Protein change: p.Lys384Gln; replaces lysine 384 with glutamine.
Molecular consequence: missense variant.
Genome position (GRCh38, 1-based): chr1:225,411,375, T>G on the plus strand (A>C on the coding strand, the complement: LBR is on the minus strand). VCF-style: chr1-225411375-T-G. GRCh37 (hg19) VCF-style: chr1-225599077-T-G.
Other names: c.1150A>C, p.Lys384Gln (NM_194442.3); short protein forms K384Q.
Identifiers: ClinVar variation 2039328 (VCV002039328.4), dbSNP rs1026116437, ClinGen allele CA38514981.

ClinVar aggregate classification (germline): Uncertain significance (1 of 4 stars; one submission).

Submission:

Labcorp Genetics (formerly Invitae), Labcorp
Classification: Uncertain significance. Last evaluated: 2022-11-01. Review status: criteria provided, single submitter. Criteria: Invitae Variant Classification Sherloc (09022015). Collection method: clinical testing. Allele origin: germline.
Comment: In summary, the available evidence is currently insufficient to determine the role of this variant in disease. Therefore, it has been classified as a Variant of Uncertain Significance. This sequence change replaces lysine, which is basic and polar, with glutamine, which is neutral and polar, at codon 384 of the LBR protein (p.Lys384Gln). This variant is not present in population databases (gnomAD no frequency). This variant has not been reported in the literature in individuals affected with LBR-related conditions. Advanced modeling of protein sequence and biophysical properties (such as structural, functional, and spatial information, amino acid conservation, physicochemical variation, residue mobility, and thermodynamic stability) performed at Invitae indicates that this missense variant is expected to disrupt LBR protein function.